The following is an entry in ClinVar:

NM_000122.2(ERCC3):c.2286C>G (p.His762Gln)

Gene: ERCC3 (ERCC excision repair 3, TFIIH core complex helicase subunit; minus strand). Cytogenetic location: 2q14.3.
Variant type: single nucleotide variant.
Coding change: c.2286C>G on transcript NM_000122.2 (MANE Select); coding-DNA position 2286, C replaced by G.
Protein change: p.His762Gln; replaces histidine 762 with glutamine.
Molecular consequence: missense variant.
Genome position (GRCh38, 1-based): chr2:127,257,659, G>C on the plus strand (C>G on the coding strand, the complement: ERCC3 is on the minus strand). VCF-style: chr2-127257659-G-C. GRCh37 (hg19) VCF-style: chr2-128015235-G-C.
Other names: c.2094C>G, p.His698Gln (NM_001303416.2, NM_001303418.2); short protein forms H698Q, H762Q.
Identifiers: ClinVar variation 1429853 (VCV001429853.7), dbSNP rs1684056789, ClinGen allele CA348385333.
Genomic context (GRCh38, chr2:127,257,659, plus strand): 5'-TTTCCTAAAGCGCTTGAAGAGCGGGTGTACATGTTTGCTGGGCGCCTTGCTCCGCGATGA[G>C]TGGTACTCCATGTACACAGTGTCGTCGGCCCCAGACATAGAACTCATGGTGCCAAAGCGC-3'
Protein context (NP_000113.1, residues 752-772): GADDTVYMEY[His762Gln]SSRSKAPSKH

ClinVar aggregate classification (germline): Uncertain significance (1 of 4 stars; one submission).

gnomAD v4.1: 1 of 1,614,196 alleles (0.000062%); highest among the groups gnomAD compares: Non-Finnish European, 0.000085%; no homozygotes.

Submission:

Labcorp Genetics (formerly Invitae), Labcorp
Classification: Uncertain significance. Last evaluated: 2021-02-24. Review status: criteria provided, single submitter. Criteria: Invitae Variant Classification Sherloc (09022015). Collection method: clinical testing. Allele origin: germline.
Comment: In summary, the available evidence is currently insufficient to determine the role of this variant in disease. Therefore, it has been classified as a Variant of Uncertain Significance. Algorithms developed to predict the effect of missense changes on protein structure and function (SIFT, PolyPhen-2, Align-GVGD) all suggest that this variant is likely to be tolerated, but these predictions have not been confirmed by published functional studies and their clinical significance is uncertain. This sequence change replaces histidine with glutamine at codon 762 of the ERCC3 protein (p.His762Gln). The histidine residue is weakly conserved and there is a small physicochemical difference between histidine and glutamine. This variant is not present in population databases (ExAC no frequency). This variant has not been reported in the literature in individuals with ERCC3-related conditions.